The following is an entry in ClinVar:

NM_003413.4(ZIC3):c.162_164del (p.Ala55del)

Gene: ZIC3 (Zic family zinc finger 3; plus strand). Cytogenetic location: Xq26.3.
Variant type: Deletion.
Coding change: c.162_164del on transcript NM_003413.4 (MANE Select); coding-DNA positions 162 to 164, 3 bases deleted (TGC; older notation c.162_164delTGC).
Protein change: p.Ala55del; deletes alanine 55.
Genome position (GRCh38, 1-based): chrX:137,566,853-137,566,855, TGC deleted; deleting any 3 consecutive bases within chrX:137,566,851-137,566,855 gives the same sequence; the c. name uses the placement nearest the transcript's 3' end. VCF-style (leftmost placement, unchanged base first): chrX-137566850-CGCT-C. GRCh37 (hg19) VCF-style: chrX-136649009-CGCT-C.
Other names: c.162_164del, p.Ala55del (NM_001330661.1); short protein forms A55del.
Identifiers: ClinVar variation 3667980 (VCV003667980.2).

ClinVar aggregate classification (germline): Uncertain significance (1 of 4 stars; one submission).

Conditions:
Heterotaxy, visceral, 1, X-linked (HTX1). Also called: SITUS INVERSUS, COMPLEX CARDIAC DEFECTS, AND SPLENIC DEFECTS, X-LINKED; DEXTROCARDIA WITH OTHER CARDIAC MALFORMATIONS; Laterality, X-linked; Visceral heterotaxia. Identifiers: Orphanet 450, MedGen C1844020, MONDO:0010607, OMIM 306955.

Submission:

Labcorp Genetics (formerly Invitae), Labcorp
Classification: Uncertain significance for Heterotaxy, visceral, 1, X-linked. Last evaluated: 2024-03-21. Review status: criteria provided, single submitter. Criteria: Invitae Variant Classification Sherloc (09022015). Collection method: clinical testing. Allele origin: germline.
Comment: This variant, c.162_164del, results in the deletion of 1 amino acid(s) of the ZIC3 protein (p.Ala55del), but otherwise preserves the integrity of the reading frame. The frequency data for this variant in the population databases is considered unreliable, as metrics indicate poor data quality at this position in the gnomAD database. This variant has not been reported in the literature in individuals affected with ZIC3-related conditions. Experimental studies and prediction algorithms are not available or were not evaluated, and the functional significance of this variant is currently unknown. In summary, the available evidence is currently insufficient to determine the role of this variant in disease. Therefore, it has been classified as a Variant of Uncertain Significance.